The following is an entry in ClinVar:

NM_020937.4(FANCM):c.4279_4283del (p.Val1427fs)

Gene: FANCM (FA complementation group M; plus strand). Cytogenetic location: 14q21.2.
Variant type: Deletion.
Coding change: c.4279_4283del on transcript NM_020937.4 (MANE Select); coding-DNA positions 4279 to 4283, 5 bases deleted (GTTAA; older notation c.4279_4283delGTTAA).
Protein change: p.Val1427fs; shifts the reading frame from valine 1427.
Molecular consequence: frameshift variant.
Genome position (GRCh38, 1-based): chr14:45,181,486-45,181,490, GTTAA deleted; deleting any 5 consecutive bases within chr14:45,181,484-45,181,490 gives the same sequence; the c. name uses the placement nearest the transcript's 3' end. VCF-style (leftmost placement, unchanged base first): chr14-45181483-AAAGTT-A. GRCh37 (hg19) VCF-style: chr14-45650686-AAAGTT-A.
Other names: c.4201_4205del, p.Val1401fs (NM_001308133.2); short protein forms V1401fs, V1427fs.
Identifiers: ClinVar variation 2198427 (VCV002198427.4), dbSNP rs2503213341, ClinGen allele CA2580088109.

ClinVar aggregate classification (germline): Pathogenic (1 of 4 stars; one submission).

Conditions:
Fanconi anemia (FA). Also called: Fanconi's anemia. Identifiers: Orphanet 84, MedGen C0015625, MeSH D005199, MONDO:0019391.

Submission:

Labcorp Genetics (formerly Invitae), Labcorp
Classification: Pathogenic for Fanconi anemia. Last evaluated: 2022-02-02. Review status: criteria provided, single submitter. Criteria: Invitae Variant Classification Sherloc (09022015). Collection method: clinical testing. Allele origin: germline.
Comment: For these reasons, this variant has been classified as Pathogenic. This variant has not been reported in the literature in individuals affected with FANCM-related conditions. This variant is not present in population databases (gnomAD no frequency). This sequence change creates a premature translational stop signal (p.Val1427Lysfs*11) in the FANCM gene. It is expected to result in an absent or disrupted protein product. Loss-of-function variants in FANCM are known to be pathogenic (PMID: 29895858, 30075111).

Literature cited by the submitters: PubMed 29895858; PubMed 30075111.